The following is an entry in ClinVar:

GRCh38/hg38 11p15.2(chr11:16038287-16586773)x1

Genes: SOX6 (SRY-box transcription factor 6; minus strand), LOC108281125 (SOX6 proximal promoter region; plus strand), LOC110120848 (VISTA enhancer hs236; plus strand), LOC110120926 (VISTA enhancer hs717; plus strand), LOC110120947 (VISTA enhancer hs883; plus strand) and 9 more. Cytogenetic location: 11p15.2.
Variant type: copy number loss.
Change: copy number 1 (one copy instead of two) of chr11:16,038,287-16,586,773 (548.5 kb, GRCh38 coordinates, 1-based), cytogenetic band 11p15.2.
Identifiers: ClinVar variation 4880499 (VCV004880499.1).

ClinVar aggregate classification (germline): Likely pathogenic (1 of 4 stars; one submission).

Submission:

Department of Medical Genetics, Ordu University Medical School Training and Research Hospital
Classification: Likely pathogenic. Last evaluated: 2026-07-30. Review status: criteria provided, single submitter. Criteria: ACMG/ClinGen CNV Guidelines, 2019. Collection method: clinical testing. Allele origin: de novo. Affected: yes. Observed: 1 variant allele.
Comment: No gene or region with an established ClinGen dosage sensitivity score is completely contained within the interval. Scored using the ACMG/ClinGen technical standard for copy-number variant interpretation.